The following is an entry in ClinVar:

ClinVar aggregate classification (germline): Uncertain significance. Review status: criteria provided, multiple submitters, no conflicts (2 of 4 stars). 2 submissions from 2 submitters: Uncertain significance (2). Last evaluated 2026-01-26.

Conditions:
Cardiovascular phenotype. Identifiers: MedGen CN230736.
Alagille syndrome due to a JAG1 point mutation. Also called: JAG1-Related Alagille Syndrome; Alagille Syndrome 1; HEPATIC DUCTULAR HYPOPLASIA, SYNDROMATIC. Identifiers: Orphanet 261619, Orphanet 52, MedGen C1956125, MONDO:0016862, OMIM 118450.

Allele frequency attached by ClinVar (database versions not stated): gnomAD 0.00001; gnomAD exomes 0.00001; TOPMed 0.00001; ExAC 0.00002.
gnomAD v4.1: 11 of 1,613,744 alleles (0.00068%); highest among the groups gnomAD compares: South Asian, 0.0022%; no homozygotes.

Submissions (2):

Labcorp Genetics (formerly Invitae), Labcorp
Classification: Uncertain significance for Alagille syndrome due to a JAG1 point mutation. Last evaluated: 2026-01-26. Review status: criteria provided, single submitter. Criteria: Invitae Variant Classification Sherloc (09022015). Collection method: clinical testing. Allele origin: germline.
Comment: This sequence change replaces glycine, which is neutral and non-polar, with serine, which is neutral and polar, at codon 641 of the JAG1 protein (p.Gly641Ser). This variant is present in population databases (rs758994613, gnomAD 0.004%). This variant has not been reported in the literature in individuals affected with JAG1-related conditions. ClinVar contains an entry for this variant (Variation ID: 2062509). Invitae Evidence Modeling of protein sequence and biophysical properties (such as structural, functional, and spatial information, amino acid conservation, physicochemical variation, residue mobility, and thermodynamic stability) indicates that this missense variant is not expected to disrupt JAG1 protein function with a negative predictive value of 80%. In summary, the available evidence is currently insufficient to determine the role of this variant in disease. Therefore, it has been classified as a Variant of Uncertain Significance.

Ambry Genetics
Classification: Uncertain significance for Cardiovascular phenotype. Last evaluated: 2024-02-10. Review status: criteria provided, single submitter. Criteria: Ambry Variant Classification Scheme 2023. Collection method: clinical testing. Allele origin: germline.
Comment: The p.G641S variant (also known as c.1921G>A), located in coding exon 15 of the JAG1 gene, results from a G to A substitution at nucleotide position 1921. The glycine at codon 641 is replaced by serine, an amino acid with similar properties. This amino acid position is conserved. In addition, this alteration is predicted to be deleterious by in silico analysis. Based on the available evidence, the clinical significance of this alteration remains unclear.

NM_000214.3(JAG1):c.1921G>A (p.Gly641Ser)

Gene: JAG1 (jagged canonical Notch ligand 1; minus strand). Cytogenetic location: 20p12.2.
Variant type: single nucleotide variant.
Coding change: c.1921G>A on transcript NM_000214.3 (MANE Select); coding-DNA position 1921, G replaced by A.
Protein change: p.Gly641Ser; replaces glycine 641 with serine.
Molecular consequence: missense variant.
Genome position (GRCh38, 1-based): chr20:10,646,049, C>T on the plus strand (G>A on the coding strand, the complement: JAG1 is on the minus strand). VCF-style: chr20-10646049-C-T. GRCh37 (hg19) VCF-style: chr20-10626697-C-T.
Other names: c.1921G>A (NM_000214.2); short protein forms G641S.
Identifiers: ClinVar variation 2062509 (VCV002062509.5), dbSNP rs758994613, ClinGen allele CA9764701.